The following is an entry in ClinVar:

NM_002693.3(POLG):c.2266-19C>T

Gene: POLG (DNA polymerase gamma, catalytic subunit; minus strand). Cytogenetic location: 15q26.1.
Variant type: single nucleotide variant.
Coding change: c.2266-19C>T on transcript NM_002693.3 (MANE Select); 19 bases into the intron before coding-DNA position 2266, C replaced by T.
Molecular consequence: intron variant.
Genome position (GRCh38, 1-based): chr15:89,322,921, G>A on the plus strand (C>T on the coding strand, the complement: POLG is on the minus strand). VCF-style: chr15-89322921-G-A. GRCh37 (hg19) VCF-style: chr15-89866152-G-A.
Other names: c.2266-19C>T (NM_001126131.2).
Identifiers: ClinVar variation 206463 (VCV000206463.9), dbSNP rs780096431, ClinGen allele CA316587.

ClinVar aggregate classification (germline): Benign/Likely benign. Review status: criteria provided, multiple submitters, no conflicts (2 of 4 stars). 2 submissions from 2 submitters: Benign (1); Likely benign (1). Last evaluated 2026-01-19.

Conditions:
Progressive sclerosing poliodystrophy (MTDPS4A). Also called: ALPERS DIFFUSE DEGENERATION OF CEREBRAL GRAY MATTER WITH HEPATIC CIRRHOSIS; Alpers-Huttenlocher Syndrome; ALPERS PROGRESSIVE INFANTILE POLIODYSTROPHY; NEURONAL DEGENERATION OF CHILDHOOD WITH LIVER DISEASE, PROGRESSIVE; Mitochondrial DNA Depletion Syndrome 4A; Alpers-Huttenlocher Syndrome (AHS). Identifiers: Orphanet 726, MedGen C0205710, MONDO:0008758, OMIM 203700.

Allele frequency attached by ClinVar (database versions not stated): ExAC 0.00001; gnomAD exomes 0.00001 and below 0.00001; TOPMed 0.00001; gnomAD 0.00002.
gnomAD v4.1: 19 of 1,609,870 alleles (0.0012%); highest among the groups gnomAD compares: Middle Eastern, 0.021%; no homozygotes.

Submissions (2):

Labcorp Genetics (formerly Invitae), Labcorp
Classification: Likely benign for Progressive sclerosing poliodystrophy. Last evaluated: 2026-01-19. Review status: criteria provided, single submitter. Criteria: Invitae Variant Classification Sherloc (09022015). Collection method: clinical testing. Allele origin: germline.

GeneDx
Classification: Benign. Last evaluated: 2014-12-29. Review status: criteria provided, single submitter. Criteria: GeneDx Variant Classification (06012015). Collection method: clinical testing. Allele origin: germline. Affected: yes.
Comment: This variant is considered likely benign or benign based on one or more of the following criteria: it is a conservative change, it occurs at a poorly conserved position in the protein, it is predicted to be benign by multiple in silico algorithms, and/or has population frequency not consistent with disease.